The following is an entry in ClinVar:

NM_015338.6(ASXL1):c.2617C>T (p.Pro873Ser)

Gene: ASXL1 (ASXL transcriptional regulator 1; plus strand). Cytogenetic location: 20q11.21.
Variant type: single nucleotide variant.
Coding change: c.2617C>T on transcript NM_015338.6 (MANE Select); coding-DNA position 2617, C replaced by T.
Protein change: p.Pro873Ser; replaces proline 873 with serine.
Molecular consequence: missense variant.
Genome position (GRCh38, 1-based): chr20:32,435,329, C>T. VCF-style: chr20-32435329-C-T. GRCh37 (hg19) VCF-style: chr20-31023132-C-T.
Other names: c.2434C>T, p.Pro812Ser (NM_001363734.1); short protein forms P812S, P873S.
Identifiers: ClinVar variation 1922435 (VCV001922435.6), dbSNP rs932939917, ClinGen allele CA313926310.
Genomic context (GRCh38, chr20:32,435,329, plus strand): 5'-CCGACTGATTGCCTGCAGAACAGAGCATTTGATGACGAATTAGGGCTTGGTGGCTCATGC[C>T]CTCCTATGAGGGAAAGTGATACTAGACAAGAAAACTTGAAAACCAAGGCTCTCGTTTCTA-3'
Protein context (NP_056153.2, residues 863-883): DDELGLGGSC[Pro873Ser]PMRESDTRQE

ClinVar aggregate classification (germline): Uncertain significance. Review status: criteria provided, multiple submitters, no conflicts (2 of 4 stars). 2 submissions from 2 submitters: Uncertain significance (2). Last evaluated 2025-05-27.

Conditions:
Inborn genetic diseases. Identifiers: MedGen C0950123, MeSH D030342.

Allele frequency attached by ClinVar (database versions not stated): gnomAD exomes 0.00001.
gnomAD v4.1: 21 of 1,614,146 alleles (0.0013%); highest among the groups gnomAD compares: Non-Finnish European, 0.0017%; no homozygotes.

Submissions (2):

Ambry Genetics
Classification: Uncertain significance for Inborn genetic diseases. Last evaluated: 2025-05-27. Review status: criteria provided, single submitter. Criteria: Ambry Variant Classification Scheme 2023. Collection method: clinical testing. Allele origin: germline.
Comment: The p.P873S variant (also known as c.2617C>T), located in coding exon 13 of the ASXL1 gene, results from a C to T substitution at nucleotide position 2617. The proline at codon 873 is replaced by serine, an amino acid with similar properties. This amino acid position is conserved. In addition, this alteration is predicted to be tolerated by in silico analysis. Based on the available evidence, the clinical significance of this variant remains unclear.

Labcorp Genetics (formerly Invitae), Labcorp
Classification: Uncertain significance. Last evaluated: 2023-11-24. Review status: criteria provided, single submitter. Criteria: Invitae Variant Classification Sherloc (09022015). Collection method: clinical testing. Allele origin: germline.
Comment: This sequence change replaces proline, which is neutral and non-polar, with serine, which is neutral and polar, at codon 873 of the ASXL1 protein (p.Pro873Ser). This variant is present in population databases (no rsID available, gnomAD no frequency). This variant has not been reported in the literature in individuals affected with ASXL1-related conditions. ClinVar contains an entry for this variant (Variation ID: 1922435). Algorithms developed to predict the effect of missense changes on protein structure and function output the following: SIFT: "Not Available"; PolyPhen-2: "Benign"; Align-GVGD: "Not Available". The serine amino acid residue is found in multiple mammalian species, which suggests that this missense change does not adversely affect protein function. In summary, the available evidence is currently insufficient to determine the role of this variant in disease. Therefore, it has been classified as a Variant of Uncertain Significance.